The following is an entry in ClinVar:

ClinVar aggregate classification (germline): Likely benign (1 of 4 stars; one submission).

Submission:

CeGaT Center for Human Genetics Tuebingen
Classification: Likely benign. Last evaluated: 2023-06-01. Review status: criteria provided, single submitter. Criteria: CeGaT Center For Human Genetics Tuebingen Variant Classification Criteria Version 2. Collection method: clinical testing. Allele origin: germline. Affected: yes. Observed: 1 variant allele.
Comment: TBL1XR1: PM2:Supporting, BP4, BP7

NM_024665.7(TBL1XR1):c.342C>A (p.Ala114=)

Gene: TBL1XR1 (TBL1X/Y related 1; minus strand). Cytogenetic location: 3q26.32.
Variant type: single nucleotide variant.
Coding change: c.342C>A on transcript NM_024665.7 (MANE Select); coding-DNA position 342, C replaced by A.
Protein change: p.Ala114=; no amino-acid change (alanine 114 retained).
Molecular consequence: synonymous variant.
Genome position (GRCh38, 1-based): chr3:177,051,589, G>T on the plus strand (C>A on the coding strand, the complement: TBL1XR1 is on the minus strand). VCF-style: chr3-177051589-G-T. GRCh37 (hg19) VCF-style: chr3-176769377-G-T.
Other names: c.81C>A, p.Ala27= (NM_001321195.3, NM_001374330.1); c.342C>A, p.Ala114= (NM_001374327.1, NM_001374328.1, NM_001374329.1 and 2 more transcripts).
Identifiers: ClinVar variation 2571194 (VCV002571194.27), dbSNP rs780887368, ClinGen allele CA436987285.